The following is an entry in ClinVar:

ClinVar aggregate classification (germline): Benign. Review status: criteria provided, multiple submitters, no conflicts (2 of 4 stars). 3 submissions from 3 submitters: Benign (2). 1 of the submissions does not count toward it. Last evaluated 2018-05-31.

Conditions:
CSMD3-related disorder. Also called: CSMD3-related condition.

Allele frequency attached by ClinVar (database versions not stated): gnomAD exomes 0.00023; 1000 Genomes Project 0.00200; 1000 Genomes Project 30x 0.00219; ESP Exome Variant Server 0.00246; gnomAD 0.00273; TOPMed 0.00279.
gnomAD v4.1: 744 of 1,611,526 alleles (0.046%); highest among the groups gnomAD compares: African/African-American, 0.82%; 4 homozygotes.

Submissions (3):

Labcorp Genetics (formerly Invitae), Labcorp
Classification: Benign. Last evaluated: 2018-05-31. Review status: criteria provided, single submitter. Criteria: Invitae Variant Classification Sherloc (09022015). Collection method: clinical testing. Allele origin: germline.

Breakthrough Genomics
Classification: Benign. Review status: criteria provided, single submitter. Criteria: ACMG Guidelines, 2015. Collection method: not provided. Allele origin: germline. Inheritance: Unknown mechanism. Affected: yes.

PreventionGenetics, part of Exact Sciences
Classification: Benign for CSMD3-related condition. Last evaluated: 2019-05-03. Review status: no assertion criteria provided. Collection method: clinical testing. Allele origin: germline. Not counted in ClinVar's aggregate classification.
Comment: This variant is classified as benign based on ACMG/AMP sequence variant interpretation guidelines (Richards et al. 2015 PMID: 25741868, with internal and published modifications).

NM_198123.2(CSMD3):c.10101C>T (p.Phe3367=)

Gene: CSMD3 (CUB and Sushi multiple domains 3; minus strand). Cytogenetic location: 8q23.3.
Variant type: single nucleotide variant.
Coding change: c.10101C>T on transcript NM_198123.2 (MANE Select); coding-DNA position 10101, C replaced by T.
Protein change: p.Phe3367=; no amino-acid change (phenylalanine 3367 retained).
Molecular consequence: synonymous variant.
Genome position (GRCh38, 1-based): chr8:112,254,262, G>A on the plus strand (C>T on the coding strand, the complement: CSMD3 is on the minus strand). VCF-style: chr8-112254262-G-A. GRCh37 (hg19) VCF-style: chr8-113266491-G-A.
Other names: c.9501C>T, p.Phe3167= (NM_001363185.1); c.9594C>T, p.Phe3198= (NM_052900.3); c.9981C>T, p.Phe3327= (NM_198124.2).
Identifiers: ClinVar variation 718477 (VCV000718477.6), dbSNP rs143572252, ClinGen allele CA4848497.